The following is an entry in ClinVar:

NM_002875.5(RAD51):c.703C>T (p.Arg235Ter)

Gene: RAD51 (RAD51 recombinase; plus strand). Cytogenetic location: 15q15.1.
Variant type: single nucleotide variant.
Coding change: c.703C>T on transcript NM_002875.5 (MANE Select); coding-DNA position 703, C replaced by T.
Protein change: p.Arg235Ter; replaces arginine 235 with a stop codon.
Molecular consequence: nonsense.
Genome position (GRCh38, 1-based): chr15:40,729,563, C>T. VCF-style: chr15-40729563-C-T. GRCh37 (hg19) VCF-style: chr15-41021761-C-T.
Other names: c.706C>T, p.Arg236Ter (NM_001164269.2, NM_133487.4); c.703C>T, p.Arg235Ter (NM_001164270.2); short protein forms R235*, R236*.
Identifiers: ClinVar variation 1696975 (VCV001696975.3), dbSNP rs2141882329, ClinGen allele CA391758848.

ClinVar aggregate classification (germline): Uncertain significance (1 of 4 stars; one submission).

gnomAD v4.1: 2 of 1,613,920 alleles (0.00012%); highest among the groups gnomAD compares: Non-Finnish European, 0.00017%; no homozygotes.

Submission:

GeneDx
Classification: Uncertain significance. Last evaluated: 2024-07-08. Review status: criteria provided, single submitter. Criteria: GeneDx Variant Classification Process June 2021. Collection method: clinical testing. Allele origin: germline. Affected: yes.
Comment: Not observed at significant frequency in large population cohorts (gnomAD); Has not been previously published as pathogenic or benign to our knowledge; Nonsense variant predicted to result in protein truncation or nonsense mediated decay in a gene for which loss-of-function is not a known mechanism of disease